The following is an entry in ClinVar:

NM_001458.5(FLNC):c.5002G>A (p.Val1668Met)

Gene: FLNC (filamin C; plus strand). Cytogenetic location: 7q32.1.
Variant type: single nucleotide variant.
Coding change: c.5002G>A on transcript NM_001458.5 (MANE Select); coding-DNA position 5002, G replaced by A.
Protein change: p.Val1668Met; replaces valine 1668 with methionine.
Molecular consequence: missense variant.
Genome position (GRCh38, 1-based): chr7:128,849,381, G>A. VCF-style: chr7-128849381-G-A. GRCh37 (hg19) VCF-style: chr7-128489435-G-A.
Other names: c.5002G>A, p.Val1668Met (NM_001127487.2); short protein forms V1668M.
Identifiers: ClinVar variation 3766718 (VCV003766718.3).

ClinVar aggregate classification (germline): Uncertain significance. Review status: criteria provided, multiple submitters, no conflicts (2 of 4 stars). 3 submissions from 3 submitters: Uncertain significance (3). Last evaluated 2026-07-07.

Conditions:
Cardiovascular phenotype. Identifiers: MedGen CN230736.
Hypertrophic cardiomyopathy 26. Also called: Cardiomyopathy, familial hypertrophic, 26. Identifiers: Orphanet 75249, MedGen C4310749, MONDO:0014883, OMIM 617047.
Myofibrillar myopathy 5. Also called: Filaminopathy (type); FILAMINOPATHY, AUTOSOMAL DOMINANT. Identifiers: Orphanet 171445, MedGen C1836050, MONDO:0012289, OMIM 609524.
Distal myopathy with posterior leg and anterior hand involvement. Also called: WILLIAMS DISTAL MYOPATHY. Identifiers: Orphanet 63273, MedGen C3279722, MONDO:0013550, OMIM 614065.

gnomAD v4.1: 4 of 1,614,180 alleles (0.00025%); highest among the groups gnomAD compares: Non-Finnish European, 0.00034%; no homozygotes.

Submissions (3):

Ambry Genetics
Classification: Uncertain significance for Cardiovascular phenotype. Last evaluated: 2026-07-07. Review status: criteria provided, single submitter. Criteria: Ambry Variant Classification Scheme 2023. Collection method: clinical testing. Allele origin: germline.
Comment: The p.V1668M variant (also known as c.5002G>A), located in coding exon 30 of the FLNC gene, results from a G to A substitution at nucleotide position 5002. The valine at codon 1668 is replaced by methionine, an amino acid with highly similar properties. This amino acid position is conserved. In addition, this alteration is predicted to be deleterious by in silico analysis. Based on the available evidence, the clinical significance of this variant remains unclear.

Labcorp Genetics (formerly Invitae), Labcorp
Classification: Uncertain significance for Distal myopathy with posterior leg and anterior hand involvement; Myofibrillar myopathy 5; Hypertrophic cardiomyopathy 26. Last evaluated: 2025-08-06. Review status: criteria provided, single submitter. Criteria: Invitae Variant Classification Sherloc (09022015). Collection method: clinical testing. Allele origin: germline.
Comment: This sequence change replaces valine, which is neutral and non-polar, with methionine, which is neutral and non-polar, at codon 1668 of the FLNC protein (p.Val1668Met). This variant is not present in population databases (gnomAD no frequency). This variant has not been reported in the literature in individuals affected with FLNC-related conditions. ClinVar contains an entry for this variant (Variation ID: 3766718). Invitae Evidence Modeling of protein sequence and biophysical properties (such as structural, functional, and spatial information, amino acid conservation, physicochemical variation, residue mobility, and thermodynamic stability) has been performed for this missense variant. However, the output from this modeling did not meet the statistical confidence thresholds required to predict the impact of this variant on FLNC protein function. In summary, the available evidence is currently insufficient to determine the role of this variant in disease. Therefore, it has been classified as a Variant of Uncertain Significance.

ARUP Laboratories, Molecular Genetics and Genomics, ARUP Laboratories
Classification: Uncertain significance. Last evaluated: 2024-07-12. Review status: criteria provided, single submitter. Criteria: ARUP Molecular Germline Variant Investigation Process 2024. Collection method: clinical testing. Allele origin: germline.
Comment: The FLNC c.5002G>A p.Val1668Met variant, to our knowledge, is not reported in the medical literature or gene specific databases. This variant is also absent from the Genome Aggregation Database (v2.1.1), indicating it is not a common polymorphism. Computational analyses predict that this variant is deleterious (REVEL: 0.755). Due to limited information, the clinical significance of this variant is uncertain at this time.